The following is an entry in ClinVar:

NM_000465.4(BARD1):c.1177_1180dup (p.Thr394fs)

Gene: BARD1 (BRCA1 associated RING domain 1; minus strand). Cytogenetic location: 2q35.
Variant type: Duplication.
Coding change: c.1177_1180dup on transcript NM_000465.4 (MANE Select); coding-DNA positions 1177 to 1180, 4 bases duplicated (GGTA; older notation c.1177_1180dupGGTA).
Protein change: p.Thr394fs; shifts the reading frame from threonine 394.
Molecular consequence: frameshift variant. On other transcripts: non-coding transcript variant (2), intron variant (3).
Genome position (GRCh38, 1-based): chr2:214,780,694-214,780,697, TACC duplicated on the plus strand (GGTA on the coding strand, the reverse complement: BARD1 is on the minus strand); duplicating any 4 consecutive bases within chr2:214,780,694-214,780,698 gives the same sequence; the c. name uses the placement nearest the transcript's 3' end. VCF-style (leftmost placement, unchanged base first): chr2-214780693-G-GTACC. GRCh37 (hg19) VCF-style: chr2-215645417-G-GTACC.
Other names: c.1120_1123dup, p.Thr375fs (NM_001282543.2); c.159-28142_159-28139dup (NM_001282548.2); c.215+16364_215+16367dup (NM_001282545.2); c.364+11600_364+11603dup (NM_001282549.2); c.1177_1180dupGGTA (NM_000465.3); short protein forms T394fs, T375fs.
Identifiers: ClinVar variation 567006 (VCV000567006.7), dbSNP rs1559423694, ClinGen allele CA891843065.

ClinVar aggregate classification (germline): Pathogenic (1 of 4 stars; one submission).

Conditions:
Familial cancer of breast. Also called: BREAST CANCER, FAMILIAL; Hereditary breast cancer; hereditary breast carcinoma. Identifiers: Orphanet 227535, MedGen C0346153, MONDO:0016419, OMIM 114480. Disease mechanism: loss of function.

Submission:

Labcorp Genetics (formerly Invitae), Labcorp
Classification: Pathogenic for Familial cancer of breast. Last evaluated: 2018-01-13. Review status: criteria provided, single submitter. Criteria: Invitae Variant Classification Sherloc (09022015). Collection method: clinical testing. Allele origin: germline.
Comment: For these reasons, this variant has been classified as Pathogenic. Loss-of-function variants in BARD1 are known to be pathogenic (PMID: 20077502, 21344236). This variant has not been reported in the literature in individuals with BARD1-related disease. This variant is not present in population databases (ExAC no frequency). This sequence change creates a premature translational stop signal (p.Thr394Argfs*9) in the BARD1 gene. It is expected to result in an absent or disrupted protein product.

Literature cited by the submitters: PubMed 20077502; PubMed 21344236.